The following is an entry in ClinVar:

ClinVar aggregate classification (germline): Likely benign (1 of 4 stars; one submission).

gnomAD v4.1: 7 of 1,614,090 alleles (0.00043%); highest among the groups gnomAD compares: East Asian, 0.0067%; no homozygotes.

Submission:

Molecular Diagnostic Laboratory for Inherited Cardiovascular Disease, Montreal Heart Institute
Classification: Likely benign. Last evaluated: 2025-07-24. Review status: criteria provided, single submitter. Criteria: ACMG Guidelines, 2015. Collection method: clinical testing. Allele origin: germline. Affected: no.
Comment: BP7

NM_000384.3(APOB):c.9057G>A (p.Gly3019=)

Gene: APOB (apolipoprotein B; minus strand). Cytogenetic location: 2p24.1.
Variant type: single nucleotide variant.
Coding change: c.9057G>A on transcript NM_000384.3 (MANE Select); coding-DNA position 9057, G replaced by A.
Protein change: p.Gly3019=; no amino-acid change (glycine 3019 retained).
Molecular consequence: synonymous variant.
Genome position (GRCh38, 1-based): chr2:21,007,811, C>T on the plus strand (G>A on the coding strand, the complement: APOB is on the minus strand). VCF-style: chr2-21007811-C-T. GRCh37 (hg19) VCF-style: chr2-21230683-C-T.
Identifiers: ClinVar variation 4076444 (VCV004076444.1), dbSNP rs748062412.